The following is an entry in ClinVar:

NM_000245.4(MET):c.1399G>T (p.Val467Phe)

Gene: MET (MET proto-oncogene, receptor tyrosine kinase; plus strand). Cytogenetic location: 7q31.2.
Variant type: single nucleotide variant.
Coding change: c.1399G>T on transcript NM_000245.4 (MANE Select); coding-DNA position 1399, G replaced by T.
Protein change: p.Val467Phe; replaces valine 467 with phenylalanine.
Molecular consequence: missense variant.
Genome position (GRCh38, 1-based): chr7:116,739,956, G>T. VCF-style: chr7-116739956-G-T. GRCh37 (hg19) VCF-style: chr7-116380010-G-T.
Other names: c.1399G>T, p.Val467Phe (NM_001127500.3, NM_001324401.3); c.109G>T, p.Val37Phe (NM_001324402.2); c.1399G>T (NM_001127500.1); short protein forms V37F, V467F.
Identifiers: ClinVar variation 1359374 (VCV001359374.9), dbSNP rs1004264326, ClinGen allele CA368974017.

ClinVar aggregate classification (germline): Uncertain significance. Review status: criteria provided, multiple submitters, no conflicts (2 of 4 stars). 2 submissions from 2 submitters: Uncertain significance (2). Last evaluated 2025-07-09.

Conditions:
Renal cell carcinoma. Identifiers: Orphanet 217071, MedGen C0007134, MeSH D002292, MONDO:0005086, HP:0005584.
Hereditary cancer-predisposing syndrome. Also called: Tumor predisposition; Hereditary neoplastic syndrome; Neoplastic Syndromes, Hereditary; Hereditary Cancer Syndrome. Identifiers: Orphanet 140162, MedGen C0027672, MeSH D009386, MONDO:0015356.

Submissions (2):

Labcorp Genetics (formerly Invitae), Labcorp
Classification: Uncertain significance for Renal cell carcinoma. Last evaluated: 2025-07-09. Review status: criteria provided, single submitter. Criteria: Invitae Variant Classification Sherloc (09022015). Collection method: clinical testing. Allele origin: germline.
Comment: This sequence change replaces valine, which is neutral and non-polar, with phenylalanine, which is neutral and non-polar, at codon 467 of the MET protein (p.Val467Phe). This variant is not present in population databases (gnomAD no frequency). This variant has not been reported in the literature in individuals affected with MET-related conditions. ClinVar contains an entry for this variant (Variation ID: 1359374). Invitae Evidence Modeling of protein sequence and biophysical properties (such as structural, functional, and spatial information, amino acid conservation, physicochemical variation, residue mobility, and thermodynamic stability) indicates that this missense variant is not expected to disrupt MET protein function with a negative predictive value of 80%. In summary, the available evidence is currently insufficient to determine the role of this variant in disease. Therefore, it has been classified as a Variant of Uncertain Significance.

Ambry Genetics
Classification: Uncertain significance for Hereditary cancer-predisposing syndrome. Last evaluated: 2024-07-07. Review status: criteria provided, single submitter. Criteria: Ambry Variant Classification Scheme 2023. Collection method: clinical testing. Allele origin: germline.
Comment: The p.V467F variant (also known as c.1399G>T), located in coding exon 3 of the MET gene, results from a G to T substitution at nucleotide position 1399. The valine at codon 467 is replaced by phenylalanine, an amino acid with highly similar properties. This amino acid position is conserved. In addition, this alteration is predicted to be tolerated by in silico analysis. Based on the available evidence, the clinical significance of this variant remains unclear.